The following is an entry in ClinVar:

ClinVar aggregate classification (germline): Uncertain significance (1 of 4 stars; one submission).

gnomAD v4.1: 7 of 1,614,082 alleles (0.00043%); highest among the groups gnomAD compares: Non-Finnish European, 0.00059%; no homozygotes.

Submission:

Labcorp Genetics (formerly Invitae), Labcorp
Classification: Uncertain significance. Last evaluated: 2022-05-29. Review status: criteria provided, single submitter. Criteria: Invitae Variant Classification Sherloc (09022015). Collection method: clinical testing. Allele origin: germline.
Comment: This sequence change replaces arginine, which is basic and polar, with cysteine, which is neutral and slightly polar, at codon 289 of the MAFB protein (p.Arg289Cys). This variant is present in population databases (rs753635691, gnomAD 0.0009%). In summary, the available evidence is currently insufficient to determine the role of this variant in disease. Therefore, it has been classified as a Variant of Uncertain Significance. Algorithms developed to predict the effect of missense changes on protein structure and function are either unavailable or do not agree on the potential impact of this missense change (SIFT: "Deleterious"; PolyPhen-2: "Possibly Damaging"; Align-GVGD: "Class C0"). This variant has not been reported in the literature in individuals affected with MAFB-related conditions.

NM_005461.5(MAFB):c.865C>T (p.Arg289Cys)

Gene: MAFB (MAF bZIP transcription factor B; minus strand). Cytogenetic location: 20q12.
Variant type: single nucleotide variant.
Coding change: c.865C>T on transcript NM_005461.5 (MANE Select); coding-DNA position 865, C replaced by T.
Protein change: p.Arg289Cys; replaces arginine 289 with cysteine.
Molecular consequence: missense variant.
Genome position (GRCh38, 1-based): chr20:40,687,986, G>A on the plus strand (C>T on the coding strand, the complement: MAFB is on the minus strand). VCF-style: chr20-40687986-G-A. GRCh37 (hg19) VCF-style: chr20-39316626-G-A.
Other names: short protein forms R289C.
Identifiers: ClinVar variation 1913449 (VCV001913449.5), dbSNP rs753635691, ClinGen allele CA9857743.
Genomic context (GRCh38, chr20:40,687,986, plus strand): 5'-CCTCCCTGAAGCCGGAGTTGGCGAGTTTCTCGCACTTGACCTTGTAGGCGTCTCTCTCGC[G>A]GGCCAGCCGGGACACCTCCTGCTTAAGCTGCTCCACCTGCTGAATGAGCTGCGTCTTCTC-3'
Protein context (NP_005452.2, residues 279-299): QLKQEVSRLA[Arg289Cys]ERDAYKVKCE